The following is an entry in ClinVar:

ClinVar aggregate classification (germline): Uncertain significance (1 of 4 stars; one submission).

Submission:

Labcorp Genetics (formerly Invitae), Labcorp
Classification: Uncertain significance. Last evaluated: 2022-11-12. Review status: criteria provided, single submitter. Criteria: Invitae Variant Classification Sherloc (09022015). Collection method: clinical testing. Allele origin: germline.
Comment: In summary, the available evidence is currently insufficient to determine the role of this variant in disease. Therefore, it has been classified as a Variant of Uncertain Significance. This sequence change replaces phenylalanine, which is neutral and non-polar, with leucine, which is neutral and non-polar, at codon 124 of the TYR protein (p.Phe124Leu). This variant is not present in population databases (gnomAD no frequency). This variant has not been reported in the literature in individuals affected with TYR-related conditions. Advanced modeling of protein sequence and biophysical properties (such as structural, functional, and spatial information, amino acid conservation, physicochemical variation, residue mobility, and thermodynamic stability) performed at Invitae indicates that this missense variant is not expected to disrupt TYR protein function.

NM_000372.5(TYR):c.372C>G (p.Phe124Leu)

Gene: TYR (tyrosinase; plus strand). Cytogenetic location: 11q14.3.
Variant type: single nucleotide variant.
Coding change: c.372C>G on transcript NM_000372.5 (MANE Select); coding-DNA position 372, C replaced by G.
Protein change: p.Phe124Leu; replaces phenylalanine 124 with leucine.
Molecular consequence: missense variant.
Genome position (GRCh38, 1-based): chr11:89,178,325, C>G. VCF-style: chr11-89178325-C-G. GRCh37 (hg19) VCF-style: chr11-88911493-C-G.
Other names: short protein forms F124L.
Identifiers: ClinVar variation 2813812 (VCV002813812.3), dbSNP rs935942144, ClinGen allele CA382034255.